The following is an entry in ClinVar:

ClinVar aggregate classification (germline): Uncertain significance (1 of 4 stars; one submission).

gnomAD v4.1: 10 of 1,613,554 alleles (0.00062%); highest among the groups gnomAD compares: African/African-American, 0.0053%; no homozygotes.

Submission:

GeneDx
Classification: Uncertain significance. Last evaluated: 2023-12-14. Review status: criteria provided, single submitter. Criteria: GeneDx Variant Classification Process June 2021. Collection method: clinical testing. Allele origin: germline. Affected: yes.
Comment: In silico analysis supports that this missense variant has a deleterious effect on protein structure/function; Has not been previously published as pathogenic or benign to our knowledge

NM_005529.7(HSPG2):c.7835C>T (p.Ser2612Leu)

Gene: HSPG2 (heparan sulfate proteoglycan 2; minus strand). Cytogenetic location: 1p36.12.
Variant type: single nucleotide variant.
Coding change: c.7835C>T on transcript NM_005529.7 (MANE Select); coding-DNA position 7835, C replaced by T.
Protein change: p.Ser2612Leu; replaces serine 2612 with leucine.
Molecular consequence: missense variant.
Genome position (GRCh38, 1-based): chr1:21,847,996, G>A on the plus strand (C>T on the coding strand, the complement: HSPG2 is on the minus strand). VCF-style: chr1-21847996-G-A. GRCh37 (hg19) VCF-style: chr1-22174489-G-A.
Other names: c.7838C>T, p.Ser2613Leu (NM_001291860.2); short protein forms S2612L, S2613L.
Identifiers: ClinVar variation 3365557 (VCV003365557.1).